The following is an entry in ClinVar:

NM_004370.6(COL12A1):c.8618A>C (p.Lys2873Thr)

Gene: COL12A1 (collagen type XII alpha 1 chain; minus strand). Cytogenetic location: 6q13.
Variant type: single nucleotide variant.
Coding change: c.8618A>C on transcript NM_004370.6 (MANE Select); coding-DNA position 8618, A replaced by C.
Protein change: p.Lys2873Thr; replaces lysine 2873 with threonine.
Molecular consequence: missense variant.
Genome position (GRCh38, 1-based): chr6:75,095,139, T>G on the plus strand (A>C on the coding strand, the complement: COL12A1 is on the minus strand). VCF-style: chr6-75095139-T-G. GRCh37 (hg19) VCF-style: chr6-75804855-T-G.
Other names: p.Lys2873Thr; c.8618A>C, p.Lys2873Thr (NM_001424113.1); c.8597A>C, p.Lys2866Thr (NM_001424114.1); c.8345A>C, p.Lys2782Thr (NM_001424115.1); c.5126A>C, p.Lys1709Thr (NM_001424116.1, NM_080645.3); short protein forms K1709T, K2782T, K2866T, K2873T.
Identifiers: ClinVar variation 3379698 (VCV003379698.1).
Genomic context (GRCh38, chr6:75,095,139, plus strand): 5'-GTCAGTAGACATGCAAGCTGTCCGCTTACTGGTCTGCCATGATCTCCAGGTTTTCCTGGC[T>G]TCCCACTTGGTCCTGTGACTCCTGGGGAGCCTGGGCTTCCCTACAACACATGGAAAGGGA-3'
Protein context (NP_004361.3, residues 2863-2883): GSPGVTGPSG[Lys2873Thr]PGKPGDHGRP

ClinVar aggregate classification (germline): Uncertain significance (1 of 4 stars; one submission).

gnomAD v4.1: 4 of 1,614,176 alleles (0.00025%); highest among the groups gnomAD compares: Non-Finnish European, 0.00034%; no homozygotes.

Submission:

Mayo Clinic Laboratories, Mayo Clinic
Classification: Uncertain significance. Last evaluated: 2024-07-16. Review status: criteria provided, single submitter. Criteria: ACMG Guidelines, 2015. Collection method: clinical testing. Allele origin: germline. Observed: 1 variant allele.
Comment: PM2